The following is an entry in ClinVar:

ClinVar aggregate classification (germline): Pathogenic (1 of 4 stars; one submission).

Conditions:
GM1 gangliosidosis. Identifiers: Orphanet 354, MedGen C0085131, MONDO:0018149.
Mucopolysaccharidosis, MPS-IV-B (MPS4B). Also called: MORQUIO SYNDROME B; Mucopolysaccharidosis Type IVB (Morquio B Disease); Mucopolysaccharidosis type IV B; Mucopolysaccharidosis Type IVB; Mucopolysaccharidosis type 4B; Mucopolysaccharidosis type IVB (Morquio). Identifiers: Orphanet 309310, Orphanet 582, MedGen C0086652, MONDO:0009660, OMIM 253010.

Submission:

Labcorp Genetics (formerly Invitae), Labcorp
Classification: Pathogenic for Mucopolysaccharidosis, MPS-IV-B; GM1 gangliosidosis. Last evaluated: 2021-12-24. Review status: criteria provided, single submitter. Criteria: Invitae Variant Classification Sherloc (09022015). Collection method: clinical testing. Allele origin: germline.
Comment: This variant has not been reported in the literature in individuals affected with GLB1-related conditions. This variant is not present in population databases (gnomAD no frequency). This sequence change creates a premature translational stop signal (p.Lys383Aspfs*73) in the GLB1 gene. It is expected to result in an absent or disrupted protein product. Loss-of-function variants in GLB1 are known to be pathogenic (PMID: 18524657). For these reasons, this variant has been classified as Pathogenic.

Literature cited by the submitters: PubMed 18524657.

NM_000404.4(GLB1):c.1147_1148del (p.Lys383fs)

Gene: GLB1 (galactosidase beta 1; minus strand). Cytogenetic location: 3p22.3.
Variant type: Deletion.
Coding change: c.1147_1148del on transcript NM_000404.4 (MANE Select); coding-DNA positions 1147 to 1148, 2 bases deleted (AA; older notation c.1147_1148delAA).
Protein change: p.Lys383fs; shifts the reading frame from lysine 383.
Molecular consequence: frameshift variant.
Genome position (GRCh38, 1-based): chr3:33,021,651-33,021,652, TT deleted on the plus strand (AA on the coding strand, the reverse complement: GLB1 is on the minus strand); deleting any 2 consecutive bases within chr3:33,021,651-33,021,653 gives the same sequence; the c. name uses the placement nearest the transcript's 3' end. VCF-style (leftmost placement, unchanged base first): chr3-33021650-CTT-C. GRCh37 (hg19) VCF-style: chr3-33063142-CTT-C.
Other names: c.1057_1058del, p.Lys353fs (NM_001079811.3); c.754_755del, p.Lys252fs (NM_001135602.3); c.1291_1292del, p.Lys431fs (NM_001317040.2); c.1147_1148del, p.Lys383fs (NM_001393580.1); short protein forms K252fs, K353fs, K383fs, K431fs.
Identifiers: ClinVar variation 2058116 (VCV002058116.4), dbSNP rs2471271015, ClinGen allele CA2580069273.
Genomic context (GRCh38, chr3:33,021,650, plus strand): 5'-GGGATAAAGGCTTTTGATGGGCCCAGAGGGACACAGAATGTCCAGAGCTGCTCCCACTGT[CTT>C]TAACTGAAAAGAAACAAAAGCAGCATTCACACACTGCACCCCTCACTGGTCATCAGGTTA-3'